The following is an entry in ClinVar:

NM_001142.2(AMELX):c.225G>A (p.Pro75=)

Genes: AMELX (amelogenin X-linked; plus strand), ARHGAP6 (Rho GTPase activating protein 6; minus strand). Cytogenetic location: Xp22.2.
Variant type: single nucleotide variant.
Coding change: c.225G>A on transcript NM_001142.2 (MANE Select); coding-DNA position 225, G replaced by A.
Protein change: p.Pro75=; no amino-acid change (proline 75 retained).
Molecular consequence: synonymous variant. On other transcripts: intron variant (3).
Genome position (GRCh38, 1-based): chrX:11,298,628, G>A. VCF-style: chrX-11298628-G-A. GRCh37 (hg19) VCF-style: chrX-11316748-G-A.
Other names: c.267G>A, p.Pro89= (NM_182680.1); c.177G>A, p.Pro59= (NM_182681.1); c.589-43921C>T (NM_013427.3, NM_006125.3); c.49-43921C>T (NM_001287242.2).
Identifiers: ClinVar variation 3051823 (VCV003051823.2), dbSNP rs142884100, ClinGen allele CA10348500.

ClinVar aggregate classification (germline): Likely benign (0 of 4 stars; one submission).

Conditions:
AMELX-related disorder. Also called: AMELX-related condition.

Allele frequency attached by ClinVar (database versions not stated): 1000 Genomes Project 0.00053; 1000 Genomes Project 30x 0.00062.
gnomAD v4.1: 50 of 1,207,864 alleles (0.0041%); highest among the groups gnomAD compares: East Asian, 0.12%; no homozygotes.

Submission:

PreventionGenetics, part of Exact Sciences
Classification: Likely benign for AMELX-related condition. Last evaluated: 2022-12-06. Review status: no assertion criteria provided. Collection method: clinical testing. Allele origin: germline.
Comment: This variant is classified as likely benign based on ACMG/AMP sequence variant interpretation guidelines (Richards et al. 2015 PMID: 25741868, with internal and published modifications).